The following is an entry in ClinVar:

NM_001034853.2(RPGR):c.3082G>T (p.Glu1028Ter)

Gene: RPGR (retinitis pigmentosa GTPase regulator; minus strand). Cytogenetic location: Xp11.4.
Variant type: single nucleotide variant.
Coding change: c.3082G>T on transcript NM_001034853.2 (MANE Select); coding-DNA position 3082, G replaced by T.
Protein change: p.Glu1028Ter; replaces glutamic acid 1028 with a stop codon.
Molecular consequence: nonsense. On other transcripts: intron variant (8).
Genome position (GRCh38, 1-based): chrX:38,285,917, C>A on the plus strand (G>T on the coding strand, the complement: RPGR is on the minus strand). VCF-style: chrX-38285917-C-A. GRCh37 (hg19) VCF-style: chrX-38145170-C-A.
Other names: c.1569+5042G>T (NM_001367249.1, NM_001367250.1); c.1902+1177G>T (NM_001367245.1); c.1386+5042G>T (NM_001367251.1); c.1719+1177G>T (NM_001367246.1); c.1572+5042G>T (NM_001367247.1); c.1905+1177G>T (NM_000328.3); c.1602+5042G>T (NM_001367248.1); short protein forms E1028*.
Identifiers: ClinVar variation 2739249 (VCV002739249.3), dbSNP rs1296728483, ClinGen allele CA412729056.

ClinVar aggregate classification (germline): Pathogenic (1 of 4 stars; one submission).

Conditions:
Primary ciliary dyskinesia. Also called: Ciliary dyskinesia. Identifiers: Orphanet 244, MedGen C0008780, MONDO:0016575, HP:0012265.

Submission:

Labcorp Genetics (formerly Invitae), Labcorp
Classification: Pathogenic for Primary ciliary dyskinesia. Last evaluated: 2023-07-08. Review status: criteria provided, single submitter. Criteria: Invitae Variant Classification Sherloc (09022015). Collection method: clinical testing. Allele origin: germline.
Comment: For these reasons, this variant has been classified as Pathogenic. This variant disrupts a region of the RPGR (ORF15) protein in which other variant(s) (p.Leu1130Lysfs*13) have been determined to be pathogenic (PMID: 22264887; Invitae). This suggests that this is a clinically significant region of the protein, and that variants that disrupt it are likely to be disease-causing. This variant has not been reported in the literature in individuals affected with RPGR (ORF15)-related conditions. This variant is not present in population databases (gnomAD no frequency). This sequence change creates a premature translational stop signal (p.Glu1028*) in the RPGR (ORF15) gene. While this is not anticipated to result in nonsense mediated decay, it is expected to disrupt the last 125 amino acid(s) of the RPGR (ORF15) protein.

Literature cited by the submitters: PubMed 22264887.